The following is an entry in ClinVar:

ClinVar aggregate classification (germline): Conflicting classifications of pathogenicity. Review status: criteria provided, conflicting classifications (1 of 4 stars). 3 submissions from 3 submitters: Uncertain significance (2); Benign (1). Last evaluated 2025-11-24.

Conditions:
Cardiovascular phenotype. Identifiers: MedGen CN230736.
Primary dilated cardiomyopathy (DCM). Also called: Dilated Cardiomyopathy. Identifiers: Orphanet 217604, MedGen C0007193, MeSH D002311, MONDO:0005021, HP:0001644. Inheritance: Various modes of inheritance.

Allele frequency attached by ClinVar (database versions not stated): gnomAD 0.00002 and 0.00003; TOPMed 0.00004; ExAC 0.00012; gnomAD exomes 0.00014; 1000 Genomes Project 30x 0.00031; 1000 Genomes Project 0.00040.
gnomAD v4.1: 40 of 1,613,970 alleles (0.0025%); highest among the groups gnomAD compares: East Asian, 0.085%; no homozygotes.

Submissions (3):

Labcorp Genetics (formerly Invitae), Labcorp
Classification: Uncertain significance for Primary dilated cardiomyopathy. Last evaluated: 2025-11-24. Review status: criteria provided, single submitter. Criteria: Invitae Variant Classification Sherloc (09022015). Collection method: clinical testing. Allele origin: germline.
Comment: This sequence change replaces glycine, which is neutral and non-polar, with valine, which is neutral and non-polar, at codon 290 of the TXNRD2 protein (p.Gly290Val). This variant is present in population databases (rs543290126, gnomAD 0.2%), and has an allele count higher than expected for a pathogenic variant. This variant has not been reported in the literature in individuals affected with TXNRD2-related conditions. ClinVar contains an entry for this variant (Variation ID: 518783). Invitae Evidence Modeling of protein sequence and biophysical properties (such as structural, functional, and spatial information, amino acid conservation, physicochemical variation, residue mobility, and thermodynamic stability) has been performed for this missense variant. However, the output from this modeling did not meet the statistical confidence thresholds required to predict the impact of this variant on TXNRD2 protein function. In summary, the available evidence is currently insufficient to determine the role of this variant in disease. Therefore, it has been classified as a Variant of Uncertain Significance.

GeneDx
Classification: Uncertain significance. Last evaluated: 2024-02-05. Review status: criteria provided, single submitter. Criteria: GeneDx Variant Classification Process June 2021. Collection method: clinical testing. Allele origin: germline. Affected: yes.
Comment: In silico analysis supports that this missense variant has a deleterious effect on protein structure/function; This variant is associated with the following publications: (PMID: 32476818)

Ambry Genetics
Classification: Benign for Cardiovascular phenotype. Last evaluated: 2023-11-21. Review status: criteria provided, single submitter. Criteria: Ambry Variant Classification Scheme 2023. Collection method: clinical testing. Allele origin: germline.

NM_006440.5(TXNRD2):c.869G>T (p.Gly290Val)

Gene: TXNRD2 (thioredoxin reductase 2; minus strand). Cytogenetic location: 22q11.21.
Variant type: single nucleotide variant.
Coding change: c.869G>T on transcript NM_006440.5 (MANE Select); coding-DNA position 869, G replaced by T.
Protein change: p.Gly290Val; replaces glycine 290 with valine.
Molecular consequence: missense variant. On other transcripts: non-coding transcript variant (1).
Genome position (GRCh38, 1-based): chr22:19,895,487, C>A on the plus strand (G>T on the coding strand, the complement: TXNRD2 is on the minus strand). VCF-style: chr22-19895487-C-A. GRCh37 (hg19) VCF-style: chr22-19883010-C-A.
Other names: c.869G>T, p.Gly290Val (NM_001282512.3); c.866G>T, p.Gly289Val (NM_001352300.2); c.779G>T, p.Gly260Val (NM_001352301.2); c.581G>T, p.Gly194Val (NM_001352302.2); c.773G>T, p.Gly258Val (NM_001352303.2); short protein forms G290V, G260V, G289V, G258V, G194V.
Identifiers: ClinVar variation 518783 (VCV000518783.16), dbSNP rs543290126, ClinGen allele CA10103953.